The following is an entry in ClinVar:

ClinVar aggregate classification (germline): Pathogenic. Review status: criteria provided, multiple submitters, no conflicts (2 of 4 stars). 3 submissions from 3 submitters: Pathogenic (3). Last evaluated 2024-02-29.

Conditions:
Epidermolysis bullosa, junctional 5A, intermediate. Also called: EPIDERMOLYSIS BULLOSA, JUNCTIONAL 5A, GENERALIZED INTERMEDIATE; EPIDERMOLYSIS BULLOSA, JUNCTIONAL 5A, NON-HERLITZ TYPE. Identifiers: MedGen C5676956, MONDO:0030768, OMIM 619816.
Junctional epidermolysis bullosa with pyloric atresia. Also called: APLASIA CUTIS CONGENITA WITH GASTROINTESTINAL ATRESIA; CARMI SYNDROME; ITGB4-Related Epidermolysis Bullosa with Pyloric Atresia; EB-PA-ACC; Epidermolysis bullosa, junctional, with pyloric atresia and aplasia cutis congenita; Epidermolysis bullosa junctionalis with pyloric atresia. Identifiers: Orphanet 79403, MedGen C5676875, MONDO:0009183, OMIM 226730.
ITGB4-related disorder. Also called: ITGB4-related condition.

Allele frequency attached by ClinVar (database versions not stated): ExAC 0.00001; gnomAD 0.00001; TOPMed 0.00002; gnomAD exomes 0.00003.

Submissions (3):

Fulgent Genetics
Classification: Pathogenic for Junctional epidermolysis bullosa with pyloric atresia; Epidermolysis bullosa, junctional 5A, intermediate. Last evaluated: 2024-02-29. Review status: criteria provided, single submitter. Criteria: ACMG Guidelines, 2015. Collection method: clinical testing. Allele origin: germline.

Labcorp Genetics (formerly Invitae), Labcorp
Classification: Pathogenic. Last evaluated: 2024-01-18. Review status: criteria provided, single submitter. Criteria: Invitae Variant Classification Sherloc (09022015). Collection method: clinical testing. Allele origin: germline.
Comment: This sequence change creates a premature translational stop signal (p.Leu220Cysfs*62) in the ITGB4 gene. It is expected to result in an absent or disrupted protein product. Loss-of-function variants in ITGB4 are known to be pathogenic (PMID: 11328943, 16473856). This variant is present in population databases (rs749217066, gnomAD 0.003%). This premature translational stop signal has been observed in individual(s) with clinical features of epidermolysis bullosa (PMID: 11328943, 18779879). For these reasons, this variant has been classified as Pathogenic.

Blueprint Genetics
Classification: Pathogenic for ITGB4-related disorders. Last evaluated: 2021-08-26. Review status: criteria provided, single submitter. Criteria: ACMG Guidelines, 2015. Collection method: clinical testing. Allele origin: germline. Affected: yes. Observed: 3 variant alleles.

Literature cited by the submitters: PubMed 11328943 (cited by Labcorp Genetics (formerly Invitae), Labcorp); PubMed 16473856 (cited by Labcorp Genetics (formerly Invitae), Labcorp); PubMed 18779879 (cited by Labcorp Genetics (formerly Invitae), Labcorp).

NM_000213.5(ITGB4):c.658del (p.Leu220fs)

Gene: ITGB4 (integrin subunit beta 4; plus strand). Cytogenetic location: 17q25.1.
Variant type: Deletion.
Coding change: c.658del on transcript NM_000213.5 (MANE Select); coding-DNA position 658, one base deleted (C; older notation c.658delC).
Protein change: p.Leu220fs; shifts the reading frame from leucine 220.
Molecular consequence: frameshift variant.
Genome position (GRCh38, 1-based): chr17:75,729,356, C deleted. VCF-style (leftmost placement, unchanged base first): chr17-75729355-AC-A. GRCh37 (hg19) VCF-style: chr17-73725436-AC-A.
Other names: c.658delC, p.Leu220Cysfs (NM_001005619.2); c.658del, p.Leu220fs (NM_001005731.3, NM_001321123.2); short protein forms L220fs.
Identifiers: ClinVar variation 2736649 (VCV002736649.5), dbSNP rs749217066, ClinGen allele CA8768739.